The following is an entry in ClinVar:

ClinVar aggregate classification (germline): Pathogenic/Likely pathogenic. Review status: criteria provided, multiple submitters, no conflicts (2 of 4 stars). 2 submissions from 2 submitters: Pathogenic (1); Likely pathogenic (1). Last evaluated 2024-05-15.

Conditions:
Methylcobalamin deficiency type cblG (HMAG). Also called: HOMOCYSTINURIA-MEGALOBLASTIC ANEMIA DUE TO DEFECT IN COBALAMIN METABOLISM, cblG COMPLEMENTATION TYPE; HOMOCYSTINURIA-MEGALOBLASTIC ANEMIA, cblG TYPE; Functional methionine synthase deficiency type cblG; HOMOCYSTINURIA-MEGALOBLASTIC ANEMIA, cblG COMPLEMENTATION TYPE. Identifiers: Orphanet 2170, Orphanet 622, MedGen C1855128, MONDO:0009609, OMIM 250940.
Neural tube defects, folate-sensitive (NTDFS). Also called: NTD, FOLATE-SENSITIVE. Identifiers: Orphanet 823, MedGen C1866558, MONDO:0011120, OMIM 601634.

Submissions (2):

Labcorp Genetics (formerly Invitae), Labcorp
Classification: Pathogenic for Methylcobalamin deficiency type cblG. Last evaluated: 2024-05-15. Review status: criteria provided, single submitter. Criteria: Invitae Variant Classification Sherloc (09022015). Collection method: clinical testing. Allele origin: germline.
Comment: This sequence change creates a premature translational stop signal (p.Tyr701Ilefs*9) in the MTR gene. It is expected to result in an absent or disrupted protein product. Loss-of-function variants in MTR are known to be pathogenic (PMID: 9683607, 12068375). The frequency data for this variant in the population databases is considered unreliable, as metrics indicate poor data quality at this position in the gnomAD database. This variant has not been reported in the literature in individuals affected with MTR-related conditions. ClinVar contains an entry for this variant (Variation ID: 2091459). For these reasons, this variant has been classified as Pathogenic.

Fulgent Genetics
Classification: Likely pathogenic for Methylcobalamin deficiency type cblG; Neural tube defects, folate-sensitive. Last evaluated: 2024-03-21. Review status: criteria provided, single submitter. Criteria: ACMG Guidelines, 2015. Collection method: clinical testing. Allele origin: germline.

Literature cited by the submitters: PubMed 9683607 (cited by Labcorp Genetics (formerly Invitae), Labcorp); PubMed 12068375 (cited by Labcorp Genetics (formerly Invitae), Labcorp).

NM_000254.3(MTR):c.2100dup (p.Tyr701fs)

Gene: MTR (5-methyltetrahydrofolate-homocysteine methyltransferase; plus strand). Cytogenetic location: 1q43.
Variant type: Duplication.
Coding change: c.2100dup on transcript NM_000254.3 (MANE Select); coding-DNA position 2100, one base duplicated (A; older notation c.2100dupA).
Protein change: p.Tyr701fs; shifts the reading frame from tyrosine 701.
Molecular consequence: frameshift variant. On other transcripts: intron variant (1).
Genome position (GRCh38, 1-based): chr1:236,861,181, A duplicated; the last of 8 consecutive A bases (chr1:236,861,174-236,861,181); duplicating any one gives the same sequence. VCF-style (leftmost placement, unchanged base first): chr1-236861173-C-CA. GRCh37 (hg19) VCF-style: chr1-237024473-C-CA.
Other names: c.879dup, p.Tyr294fs (NM_001291940.2); c.2100dup, p.Tyr701Ilefs (NM_001410942.1); c.2044-1055dup (NM_001291939.1); short protein forms Y294fs, Y701fs.
Identifiers: ClinVar variation 2091459 (VCV002091459.5), dbSNP rs772951826, ClinGen allele CA423812459.